The following is an entry in ClinVar:

ClinVar aggregate classification (germline): Conflicting classifications of pathogenicity. Review status: criteria provided, conflicting classifications (1 of 4 stars). 9 submissions from 9 submitters: Uncertain significance (2); Benign (1); Likely benign (3). 3 of the submissions do not count toward it. Last evaluated 2026-02-04.

Conditions:
UNC13D-related disorder. Also called: UNC13D-related condition.
Familial hemophagocytic lymphohistiocytosis 3 (FHL3). Also called: UNC13D-Related Familial Hemophagocytic Lymphohistiocytosis (UNC13D-fHLH). Identifiers: Orphanet 540, MedGen C1837174, MONDO:0012146, OMIM 608898.

Allele frequency attached by ClinVar (database versions not stated): gnomAD exomes 0.00022 and 0.00092; ESP Exome Variant Server 0.00023; gnomAD 0.00051 and 0.00066; TOPMed 0.00068; ExAC 0.00083; 1000 Genomes Project 30x 0.00281; 1000 Genomes Project 0.00300.
gnomAD v4.1: 506 of 1,614,130 alleles (0.031%); highest among the groups gnomAD compares: East Asian, 0.69%; 6 homozygotes.

Submissions (9):

Labcorp Genetics (formerly Invitae), Labcorp
Classification: Benign for Familial hemophagocytic lymphohistiocytosis 3. Last evaluated: 2026-02-04. Review status: criteria provided, single submitter. Criteria: Invitae Variant Classification Sherloc (09022015). Collection method: clinical testing. Allele origin: germline.

CeGaT Center for Human Genetics Tuebingen
Classification: Likely benign. Last evaluated: 2025-09-01. Review status: criteria provided, single submitter. Criteria: CeGaT Center For Human Genetics Tuebingen Variant Classification Criteria Version 2. Collection method: clinical testing. Allele origin: germline. Affected: yes. Observed: 1 variant allele.
Comment: UNC13D: BP4

Mayo Clinic Laboratories, Mayo Clinic
Classification: Likely benign. Last evaluated: 2025-08-13. Review status: criteria provided, single submitter. Criteria: ACMG Guidelines, 2015. Collection method: clinical testing. Allele origin: germline. Observed: 1 variant allele.
Comment: BS1, BP4, BP7

Blueprint Genetics
Classification: Likely benign. Last evaluated: 2024-11-26. Review status: criteria provided, single submitter. Criteria: ACMG Guidelines, 2015. Collection method: clinical testing. Allele origin: germline.

Baylor Genetics
Classification: Uncertain significance for Familial hemophagocytic lymphohistiocytosis 3. Last evaluated: 2018-10-31. Review status: criteria provided, single submitter. Criteria: ACMG Guidelines, 2015. Collection method: clinical testing. Allele origin: maternal. Affected: yes.
Comment: This variant was determined to be of uncertain significance according to ACMG Guidelines, 2015 [PMID:25741868].

Illumina Laboratory Services, Illumina
Classification: Uncertain significance for Familial hemophagocytic lymphohistiocytosis 3. Last evaluated: 2017-04-27. Review status: criteria provided, single submitter. Criteria: ICSL Variant Classification Criteria 13 December 2019. Collection method: clinical testing. Allele origin: germline.

PreventionGenetics, part of Exact Sciences
Classification: Likely benign for UNC13D-related condition. Last evaluated: 2021-05-12. Review status: no assertion criteria provided. Collection method: clinical testing. Allele origin: germline. Not counted in ClinVar's aggregate classification.
Comment: This variant is classified as likely benign based on ACMG/AMP sequence variant interpretation guidelines (Richards et al. 2015 PMID: 25741868, with internal and published modifications).

Genome Diagnostics Laboratory, University Medical Center Utrecht
Classification: Likely benign. Review status: no assertion criteria provided. Collection method: clinical testing. Allele origin: germline. Affected: yes. Study: VKGL Data-share Consensus. Not counted in ClinVar's aggregate classification.

Laboratory of Diagnostic Genome Analysis, Leiden University Medical Center (LUMC)
Classification: Likely benign. Review status: no assertion criteria provided. Collection method: clinical testing. Allele origin: germline. Affected: yes. Study: VKGL Data-share Consensus. Not counted in ClinVar's aggregate classification.

Literature cited by the submitters: PubMed 27781387 (cited by Mayo Clinic Laboratories, Mayo Clinic); PubMed 29113160 (cited by Mayo Clinic Laboratories, Mayo Clinic).

NM_199242.3(UNC13D):c.2553+5C>G

Gene: UNC13D (unc-13 homolog D; minus strand). Cytogenetic location: 17q25.1.
Variant type: single nucleotide variant.
Coding change: c.2553+5C>G on transcript NM_199242.3 (MANE Select); 5 bases into the intron after coding-DNA position 2553, C replaced by G.
Molecular consequence: intron variant.
Genome position (GRCh38, 1-based): chr17:75,831,238, G>C on the plus strand (C>G on the coding strand, the complement: UNC13D is on the minus strand). VCF-style: chr17-75831238-G-C. GRCh37 (hg19) VCF-style: chr17-73827319-G-C.
Identifiers: ClinVar variation 533109 (VCV000533109.29), dbSNP rs201930023, ClinGen allele CA8772483.